The following is an entry in ClinVar:

ClinVar aggregate classification (germline): Uncertain significance. Review status: criteria provided, multiple submitters, no conflicts (2 of 4 stars). 2 submissions from 2 submitters: Uncertain significance (2). Last evaluated 2025-05-05.

Conditions:
VWF-related disorder. Also called: VWF-related disorders; VWF-related condition.

Submissions (2):

Quest Diagnostics Nichols Institute San Juan Capistrano
Classification: Uncertain significance. Last evaluated: 2025-05-05. Review status: criteria provided, single submitter. Criteria: Quest Diagnostics criteria. Collection method: clinical testing. Allele origin: unknown.
Comment: The VWF c.4562T>C (p.Met1521Thr) variant has not been reported in individuals with VWF-related conditions in the published literature. The frequency of this variant in the general population (Genome Aggregation Database) is uninformative in the assessment of its pathogenicity. Analysis of this variant using bioinformatics tools (i.e., MutationTaster and PolyPhen-2) for the prediction of the effect of amino acid changes on protein structure and function yielded conflicting predictions that this variant is deleterious or benign. Based on the available information, we are unable to determine the clinical significance of this variant.

PreventionGenetics, part of Exact Sciences
Classification: Uncertain significance for VWF-related condition. Last evaluated: 2025-03-10. Review status: criteria provided, single submitter. Criteria: ACMG Guidelines, 2015. Collection method: clinical testing. Allele origin: germline.
Comment: The VWF c.4562T>C variant is predicted to result in the amino acid substitution p.Met1521Thr. To our knowledge, this variant has not been reported in the literature. This variant is reported in 0.0% of alleles in individuals of African descent in gnomAD. At this time, the clinical significance of this variant is uncertain due to the absence of conclusive functional and genetic evidence.

NM_000552.5(VWF):c.4562T>C (p.Met1521Thr)

Gene: VWF (von Willebrand factor; minus strand). Cytogenetic location: 12p13.31.
Variant type: single nucleotide variant.
Coding change: c.4562T>C on transcript NM_000552.5 (MANE Select); coding-DNA position 4562, T replaced by C.
Protein change: p.Met1521Thr; replaces methionine 1521 with threonine.
Molecular consequence: missense variant.
Genome position (GRCh38, 1-based): chr12:6,018,856, A>G on the plus strand (T>C on the coding strand, the complement: VWF is on the minus strand). VCF-style: chr12-6018856-A-G. GRCh37 (hg19) VCF-style: chr12-6128022-A-G.
Other names: short protein forms M1521T.
Identifiers: ClinVar variation 4533007 (VCV004533007.2).
Genomic context (GRCh38, chr12:6,018,856, plus strand): 5'-TGCAGCACCGTGACGTGGATGCTGTCCTGGCCCACATCCATCCGCTGAATCACCTCCTCC[A>G]TGAACTCCTTGCTCCTGTTGAAGTCGGCTTCACCAATTTTGTCCGATCCTTCCAGGACGA-3'
Protein context (NP_000543.3, residues 1511-1531): EADFNRSKEF[Met1521Thr]EEVIQRMDVG